The following is an entry in ClinVar:

NM_001164508.2(NEB):c.17844+5T>C

Gene: NEB (nebulin; minus strand). Cytogenetic location: 2q23.3.
Variant type: single nucleotide variant.
Coding change: c.17844+5T>C on transcript NM_001164508.2 (MANE Select); 5 bases into the intron after coding-DNA position 17844, T replaced by C.
Molecular consequence: intron variant.
Genome position (GRCh38, 1-based): chr2:151,568,066, A>G on the plus strand (T>C on the coding strand, the complement: NEB is on the minus strand). VCF-style: chr2-151568066-A-G. GRCh37 (hg19) VCF-style: chr2-152424580-A-G.
Other names: c.12741+5T>C (NM_004543.5); c.17844+5T>C (NM_001164507.2, NM_001271208.2).
Identifiers: ClinVar variation 1446332 (VCV001446332.6), dbSNP rs748989842, ClinGen allele CA1908094.

ClinVar aggregate classification (germline): Uncertain significance (1 of 4 stars; one submission).

Conditions:
Nemaline myopathy 2 (NEM2). Also called: Nemaline myopathy 2, autosomal recessive. Identifiers: MedGen C1850569, MONDO:0009725, OMIM 256030.

Allele frequency attached by ClinVar (database versions not stated): gnomAD exomes 0.00001 and 0.00002; ExAC 0.00003.
gnomAD v4.1: 11 of 1,610,608 alleles (0.00068%); highest among the groups gnomAD compares: Non-Finnish European, 0.00093%; no homozygotes.

Submission:

Labcorp Genetics (formerly Invitae), Labcorp
Classification: Uncertain significance for Nemaline myopathy 2. Last evaluated: 2021-11-19. Review status: criteria provided, single submitter. Criteria: Invitae Variant Classification Sherloc (09022015). Collection method: clinical testing. Allele origin: germline.
Comment: This sequence change falls in intron 113 of the NEB gene. It does not directly change the encoded amino acid sequence of the NEB protein. It affects a nucleotide within the consensus splice site. In summary, the available evidence is currently insufficient to determine the role of this variant in disease. Therefore, it has been classified as a Variant of Uncertain Significance. Variants that disrupt the consensus splice site are a relatively common cause of aberrant splicing (PMID: 17576681, 9536098). Experimental studies and prediction algorithms are not available or were not evaluated, and the effect of this variant on mRNA splicing is currently unknown. This variant has not been reported in the literature in individuals affected with NEB-related conditions. This variant is present in population databases (rs748989842, gnomAD 0.003%).

Literature cited by the submitters: PubMed 17576681; PubMed 9536098.